The following is an entry in ClinVar:

NM_003073.5(SMARCB1):c.933C>G (p.Ile311Met)

Gene: SMARCB1 (SWI/SNF related BAF chromatin remodeling complex subunit B1; plus strand). Cytogenetic location: 22q11.23.
Variant type: single nucleotide variant.
Coding change: c.933C>G on transcript NM_003073.5 (MANE Select); coding-DNA position 933, C replaced by G.
Protein change: p.Ile311Met; replaces isoleucine 311 with methionine.
Molecular consequence: missense variant.
Genome position (GRCh38, 1-based): chr22:23,825,362, C>G. VCF-style: chr22-23825362-C-G. GRCh37 (hg19) VCF-style: chr22-24167549-C-G.
Other names: c.906C>G, p.Ile302Met (NM_001007468.3); c.960C>G, p.Ile320Met (NM_001317946.2); c.987C>G, p.Ile329Met (NM_001362877.2); short protein forms I302M, I311M, I320M, I329M.
Identifiers: ClinVar variation 1718558 (VCV001718558.5), dbSNP rs150722737, ClinGen allele CA410907669.

ClinVar aggregate classification (germline): Uncertain significance (1 of 4 stars; one submission).

gnomAD v4.1: 2 of 1,614,144 alleles (0.00012%); highest among the groups gnomAD compares: South Asian, 0.0011%; no homozygotes.

Submission:

Labcorp Genetics (formerly Invitae), Labcorp
Classification: Uncertain significance. Last evaluated: 2022-09-01. Review status: criteria provided, single submitter. Criteria: Invitae Variant Classification Sherloc (09022015). Collection method: clinical testing. Allele origin: germline.
Comment: Algorithms developed to predict the effect of missense changes on protein structure and function are either unavailable or do not agree on the potential impact of this missense change (SIFT: "Deleterious"; PolyPhen-2: "Probably Damaging"; Align-GVGD: "Class C0"). In summary, the available evidence is currently insufficient to determine the role of this variant in disease. Therefore, it has been classified as a Variant of Uncertain Significance. This variant has not been reported in the literature in individuals affected with SMARCB1-related conditions. This variant is present in population databases (no rsID available, gnomAD 0.003%). This sequence change replaces isoleucine, which is neutral and non-polar, with methionine, which is neutral and non-polar, at codon 311 of the SMARCB1 protein (p.Ile311Met).